The following is an entry in ClinVar:

NM_001267550.2(TTN):c.85895G>C (p.Gly28632Ala)

Genes: TTN-AS1 (TTN antisense RNA 1; plus strand), TTN (titin; minus strand). Cytogenetic location: 2q31.2.
Variant type: single nucleotide variant.
Coding change: c.85895G>C on transcript NM_001267550.2 (MANE Select); coding-DNA position 85895, G replaced by C.
Protein change: p.Gly28632Ala; replaces glycine 28632 with alanine.
Molecular consequence: missense variant.
Genome position (GRCh38, 1-based): chr2:178,560,237, C>G on the plus strand (G>C on the coding strand, the complement: TTN is on the minus strand). VCF-style: chr2-178560237-C-G. GRCh37 (hg19) VCF-style: chr2-179424964-C-G.
Other names: p.G26991A:GGC>GCC; c.80972G>C, p.Gly26991Ala (NM_001256850.1); c.58700G>C, p.Gly19567Ala (NM_003319.4); c.78191G>C, p.Gly26064Ala (NM_133378.4); c.59075G>C, p.Gly19692Ala (NM_133432.3); c.59276G>C, p.Gly19759Ala (NM_133437.4); short protein forms G26991A, G28632A, G19759A, G19567A, G19692A, G26064A.
Identifiers: ClinVar variation 202931 (VCV000202931.2), dbSNP rs794729517, ClinGen allele CA310725.

ClinVar aggregate classification (germline): Uncertain significance (1 of 4 stars; one submission).

Allele frequency attached by ClinVar (database versions not stated): TOPMed below 0.00001 and 0.00001; gnomAD 0.00001; gnomAD exomes below 0.00001.
gnomAD v4.1: 1 of 1,613,624 alleles (0.000062%); highest among the groups gnomAD compares: African/African-American, 0.0013%; no homozygotes.

Submission:

GeneDx
Classification: Uncertain significance. Last evaluated: 2013-05-17. Review status: criteria provided, single submitter. Criteria: GeneDx Variant Classification (06012015). Collection method: clinical testing. Allele origin: germline. Affected: yes.
Comment: Missense variants in the TTN gene are considered 'unclassified' if they are not previously reported in the literature and do not have >1% frequency in the population to be considered a polymorphism. Research indicates that truncating mutations in the TTN gene are expected to account for approximately 25% of familial and 18% of sporadic idiopathic DCM; however, truncating variants in the TTN gene have been reported in approximately 3% of reported control alleles. There has been little investigation into non-truncating variants. (Herman D et al. Truncations of titin causing dilated cardiomyopathy. N Eng J Med 366:619-628, 2012) The variant is found in DCM panel(s).